The following is an entry in ClinVar:

NM_032444.4(SLX4):c.1223G>A (p.Arg408Gln)

Gene: SLX4 (SLX4 structure-specific endonuclease subunit; minus strand). Cytogenetic location: 16p13.3.
Variant type: single nucleotide variant.
Coding change: c.1223G>A on transcript NM_032444.4 (MANE Select); coding-DNA position 1223, G replaced by A.
Protein change: p.Arg408Gln; replaces arginine 408 with glutamine.
Molecular consequence: missense variant.
Genome position (GRCh38, 1-based): chr16:3,597,940, C>T on the plus strand (G>A on the coding strand, the complement: SLX4 is on the minus strand). VCF-style: chr16-3597940-C-T. GRCh37 (hg19) VCF-style: chr16-3647941-C-T.
Other names: short protein forms R408Q.
Identifiers: ClinVar variation 950506 (VCV000950506.14), dbSNP rs377135500, ClinGen allele CA7866587.

ClinVar aggregate classification (germline): Uncertain significance. Review status: criteria provided, multiple submitters, no conflicts (2 of 4 stars). 4 submissions from 4 submitters: Uncertain significance (4). Last evaluated 2025-05-23.

Conditions:
Fanconi anemia complementation group P. Also called: SLX4-Related Fanconi Anemia. Identifiers: Orphanet 84, MedGen C3469542, MONDO:0013499, OMIM 613951.
Fanconi anemia (FA). Also called: Fanconi's anemia. Identifiers: Orphanet 84, MedGen C0015625, MeSH D005199, MONDO:0019391.

Allele frequency attached by ClinVar (database versions not stated): TOPMed 0.00003; gnomAD 0.00009 and 0.00008; ExAC 0.00012; gnomAD exomes 0.00006 and 0.00009; ESP Exome Variant Server 0.00008.

Submissions (4):

Dasa
Classification: Uncertain significance. Last evaluated: 2025-05-23. Review status: criteria provided, single submitter. Criteria: DASA Assertion Criteria. Collection method: clinical testing. Allele origin: germline.
Comment: NM_032444.4(SLX4):c.1223G>A (p.Arg408Gln) is a missense variant that results in the substitution of arginine with glutamine. This variant is rare in population databases. Computational prediction algorithms are consistent with a benign effect. The currently available literature and clinical evidence are not sufficient to establish a definitive association between this variant and the reported condition. Therefore, this variant is classified as a variant of uncertain significance.

Labcorp Genetics (formerly Invitae), Labcorp
Classification: Uncertain significance for Fanconi anemia. Last evaluated: 2024-06-17. Review status: criteria provided, single submitter. Criteria: Invitae Variant Classification Sherloc (09022015). Collection method: clinical testing. Allele origin: germline.
Comment: This sequence change replaces arginine, which is basic and polar, with glutamine, which is neutral and polar, at codon 408 of the SLX4 protein (p.Arg408Gln). This variant is present in population databases (rs377135500, gnomAD 0.02%). This variant has not been reported in the literature in individuals affected with SLX4-related conditions. ClinVar contains an entry for this variant (Variation ID: 950506). Algorithms developed to predict the effect of missense changes on protein structure and function output the following: SIFT: "Not Available"; PolyPhen-2: "Benign"; Align-GVGD: "Not Available". The glutamine amino acid residue is found in multiple mammalian species, which suggests that this missense change does not adversely affect protein function. In summary, the available evidence is currently insufficient to determine the role of this variant in disease. Therefore, it has been classified as a Variant of Uncertain Significance.

Fulgent Genetics
Classification: Uncertain significance for Fanconi anemia complementation group P. Last evaluated: 2022-03-02. Review status: criteria provided, single submitter. Criteria: ACMG Guidelines, 2015. Collection method: clinical testing. Allele origin: unknown.

Genetic Services Laboratory, University of Chicago
Classification: Uncertain significance. Last evaluated: 2020-02-26. Review status: criteria provided, single submitter. Criteria: ACMG Guidelines, 2015. Collection method: clinical testing. Allele origin: germline. Affected: no.
Comment: DNA sequence analysis of the SLX4 gene demonstrated a sequence change, c.1223G>A, in exon 6 that results in an amino acid change, p.Arg408Gln. This sequence change does not appear to have been previously described in patients with SLX4-related disorders and has been described in the gnomAD database with a low frequency of 0.015% in the European sub-population (dbSNP rs377135500). The p.Arg408Gln change affects a poorly conserved amino acid residue located in a domain of the SLX4 protein that is not known to be functional. The p.Arg408Gln substitution appears to be benign using several in-silico pathogenicity prediction tools (SIFT, PolyPhen2, Align GVGD, REVEL). Due to the lack of functional studies, the clinical significance of the p.Arg408Gln change remains unknown at this time.